The following is an entry in ClinVar:

NM_003079.5(SMARCE1):c.1004A>G (p.Asp335Gly)

Gene: SMARCE1 (SWI/SNF related BAF chromatin remodeling complex subunit E1; minus strand). Cytogenetic location: 17q21.2.
Variant type: single nucleotide variant.
Coding change: c.1004A>G on transcript NM_003079.5 (MANE Select); coding-DNA position 1004, A replaced by G.
Protein change: p.Asp335Gly; replaces aspartic acid 335 with glycine.
Molecular consequence: missense variant.
Genome position (GRCh38, 1-based): chr17:40,630,737, T>C on the plus strand (A>G on the coding strand, the complement: SMARCE1 is on the minus strand). VCF-style: chr17-40630737-T-C. GRCh37 (hg19) VCF-style: chr17-38786989-T-C.
Other names: short protein forms D335G.
Identifiers: ClinVar variation 5029972 (VCV005029972.1).
Genomic context (GRCh38, chr17:40,630,737, plus strand): 5'-CTTGGCACTGCCTCTGCGTTTGTTGCTAGTGGGTTACCTGTCTCCATCGGAATGTTCTCG[T>C]CGTCTTTCTTCTCCTCGCCTTTGTTAGCTGCTTGTTCTTCCTCAGGAACGATGCTGCTCT-3'
Protein context (NP_003070.3, residues 325-345): AANKGEEKKD[Asp335Gly]ENIPMETEET

ClinVar aggregate classification (germline): Uncertain significance (1 of 4 stars; one submission).

Conditions:
Hereditary cancer-predisposing syndrome. Also called: Neoplastic Syndromes, Hereditary; Tumor predisposition; Hereditary neoplastic syndrome; Hereditary Cancer Syndrome. Identifiers: Orphanet 140162, MedGen C0027672, MeSH D009386, MONDO:0015356.

gnomAD v4.1: 1 of 1,614,052 alleles (0.000062%); highest among the groups gnomAD compares: African/African-American, 0.0013%; no homozygotes.

Submission:

Ambry Genetics
Classification: Uncertain significance for Hereditary cancer-predisposing syndrome. Last evaluated: 2026-07-27. Review status: criteria provided, single submitter. Criteria: Ambry Variant Classification Scheme 2023. Collection method: clinical testing. Allele origin: germline.
Comment: The p.D335G variant (also known as c.1004A>G), located in coding exon 9 of the SMARCE1 gene, results from an A to G substitution at nucleotide position 1004. The aspartic acid at codon 335 is replaced by glycine, an amino acid with similar properties. This amino acid position is conserved. In addition, this alteration is predicted to be tolerated by in silico analysis. Based on the available evidence, the clinical significance of this variant remains unclear.